The following is an entry in ClinVar:

ClinVar aggregate classification (germline): Uncertain significance. Review status: criteria provided, multiple submitters, no conflicts (2 of 4 stars). 3 submissions from 3 submitters: Uncertain significance (3). Last evaluated 2022-08-10.

Conditions:
Epilepsy, progressive myoclonic, 1B. Also called: PME. Identifiers: Orphanet 308, MedGen C2676254, MONDO:0012904, OMIM 612437.

Allele frequency attached by ClinVar (database versions not stated): gnomAD exomes 0.00001; ExAC 0.00002; TOPMed 0.00002.
gnomAD v4.1: 7 of 1,614,060 alleles (0.00043%); highest among the groups gnomAD compares: Non-Finnish European, 0.00059%; no homozygotes.

Submissions (3):

Labcorp Genetics (formerly Invitae), Labcorp
Classification: Uncertain significance for Epilepsy, progressive myoclonic, 1B. Last evaluated: 2022-08-10. Review status: criteria provided, single submitter. Criteria: Invitae Variant Classification Sherloc (09022015). Collection method: clinical testing. Allele origin: germline.
Comment: This sequence change replaces glycine, which is neutral and non-polar, with glutamic acid, which is acidic and polar, at codon 641 of the PRICKLE1 protein (p.Gly641Glu). This variant is present in population databases (rs374621616, gnomAD 0.007%). This variant has not been reported in the literature in individuals affected with PRICKLE1-related conditions. ClinVar contains an entry for this variant (Variation ID: 284893). Algorithms developed to predict the effect of missense changes on protein structure and function (SIFT, PolyPhen-2, Align-GVGD) all suggest that this variant is likely to be disruptive. In summary, the available evidence is currently insufficient to determine the role of this variant in disease. Therefore, it has been classified as a Variant of Uncertain Significance.

Blueprint Genetics
Classification: Uncertain significance. Last evaluated: 2018-06-20. Review status: criteria provided, single submitter. Criteria: ACMG Guidelines, 2015. Collection method: clinical testing. Allele origin: germline.

Eurofins Ntd Llc (ga)
Classification: Uncertain significance. Last evaluated: 2015-11-11. Review status: criteria provided, single submitter. Criteria: EGL Classification Definitions 2015. Collection method: clinical testing. Allele origin: germline. Observed: 1 variant allele, 1 heterozygote.

NM_153026.3(PRICKLE1):c.1922G>A (p.Gly641Glu)

Gene: PRICKLE1 (prickle planar cell polarity protein 1; minus strand). Cytogenetic location: 12q12.
Variant type: single nucleotide variant.
Coding change: c.1922G>A on transcript NM_153026.3 (MANE Select); coding-DNA position 1922, G replaced by A.
Protein change: p.Gly641Glu; replaces glycine 641 with glutamic acid.
Molecular consequence: missense variant.
Genome position (GRCh38, 1-based): chr12:42,460,383, C>T on the plus strand (G>A on the coding strand, the complement: PRICKLE1 is on the minus strand). VCF-style: chr12-42460383-C-T. GRCh37 (hg19) VCF-style: chr12-42854185-C-T.
Other names: c.1922G>A, p.Gly641Glu (NM_001144881.2, NM_001144882.2, NM_001144883.2); short protein forms G641E.
Identifiers: ClinVar variation 284893 (VCV000284893.12), dbSNP rs374621616, ClinGen allele CA6519678.
Genomic context (GRCh38, chr12:42,460,383, plus strand): 5'-TAGACGCGTCTCCGAGTCCTTTCACTCATCGGAGGCTGCCGGATTTCAATGTCATAGTTC[C>T]CATTGTCAATGACATCATCAGAAAACTTGACCTGCTGGGGTCTGGATTGAGACTTGGACC-3'
Protein context (NP_694571.2, residues 631-651): VKFSDDVIDN[Gly641Glu]NYDIEIRQPP